The following is an entry in ClinVar:

ClinVar aggregate classification (germline): Uncertain significance (1 of 4 stars; one submission).

Allele frequency attached by ClinVar (database versions not stated): gnomAD exomes below 0.00001.
gnomAD v4.1: 1 of 1,613,490 alleles (0.000062%); highest among the groups gnomAD compares: Non-Finnish European, 0.000085%; no homozygotes.

Submission:

GeneDx
Classification: Uncertain significance. Last evaluated: 2025-02-14. Review status: criteria provided, single submitter. Criteria: GeneDx Variant Classification Process June 2021. Collection method: clinical testing. Allele origin: germline. Affected: yes.
Comment: Not observed at significant frequency in large population cohorts (gnomAD); In silico analysis supports that this missense variant does not alter protein structure/function; Has not been previously published as pathogenic or benign to our knowledge

NM_033305.3(VPS13A):c.2399A>C (p.Glu800Ala)

Gene: VPS13A (vacuolar protein sorting 13 homolog A; plus strand). Cytogenetic location: 9q21.2.
Variant type: single nucleotide variant.
Coding change: c.2399A>C on transcript NM_033305.3 (MANE Select); coding-DNA position 2399, A replaced by C.
Protein change: p.Glu800Ala; replaces glutamic acid 800 with alanine.
Molecular consequence: missense variant.
Genome position (GRCh38, 1-based): chr9:77,260,196, A>C. VCF-style: chr9-77260196-A-C. GRCh37 (hg19) VCF-style: chr9-79875112-A-C.
Other names: c.2399A>C, p.Glu800Ala (NM_001018037.2, NM_001018038.3, NM_015186.4); short protein forms E800A.
Identifiers: ClinVar variation 1712104 (VCV001712104.3), dbSNP rs2537750999, ClinGen allele CA373852488.
Genomic context (GRCh38, chr9:77,260,196, plus strand): 5'-AAAAACTACAAGGGATTATGGAATTGATTGAAAGCATTCCAAAACCTGAACCAGTAACTG[A>C]AGTATCTGCCCCTGTCAAATCATTCCAGGTAATGTTACTTTCAAAATTAATATAAGCATG-3'
Protein context (NP_150648.2, residues 790-810): ESIPKPEPVT[Glu800Ala]VSAPVKSFQI